The following is an entry in ClinVar:

NM_206933.4(USH2A):c.13137del (p.Thr4380fs)

Gene: USH2A (usherin; minus strand). Cytogenetic location: 1q41.
Variant type: Deletion.
Coding change: c.13137del on transcript NM_206933.4 (MANE Select); coding-DNA position 13137, one base deleted (C; older notation c.13137delC).
Protein change: p.Thr4380fs; shifts the reading frame from threonine 4380.
Molecular consequence: frameshift variant.
Genome position (GRCh38, 1-based): chr1:215,674,774, G deleted on the plus strand (C on the coding strand, the reverse complement: USH2A is on the minus strand); the first of 3 consecutive G bases (chr1:215,674,774-215,674,776); deleting any one gives the same sequence. VCF-style (leftmost placement, unchanged base first): chr1-215674773-TG-T. GRCh37 (hg19) VCF-style: chr1-215848115-TG-T.
Other names: short protein forms T4380fs.
Identifiers: ClinVar variation 2748498 (VCV002748498.3), dbSNP rs2464896898, ClinGen allele CA2697554902.
Genomic context (GRCh38, chr1:215,674,773, plus strand): 5'-CAAGGGACTCTTTATTATCATATCTAACTAAATATTTAGTAATCTTTCCATTTTGCACTG[TG>T]GGCGGTGACCAACATACATTCATTTGAGTGGCACTGACGGCCCAAAGATCTGGAGGGCTG-3'

ClinVar aggregate classification (germline): Pathogenic (1 of 4 stars; one submission).

Submission:

Labcorp Genetics (formerly Invitae), Labcorp
Classification: Pathogenic. Last evaluated: 2023-07-30. Review status: criteria provided, single submitter. Criteria: Invitae Variant Classification Sherloc (09022015). Collection method: clinical testing. Allele origin: germline.
Comment: For these reasons, this variant has been classified as Pathogenic. This variant has not been reported in the literature in individuals affected with USH2A-related conditions. This variant is not present in population databases (gnomAD no frequency). This sequence change creates a premature translational stop signal (p.Thr4380Glnfs*11) in the USH2A gene. It is expected to result in an absent or disrupted protein product. Loss-of-function variants in USH2A are known to be pathogenic (PMID: 10729113, 10909849, 20507924, 25649381).

Literature cited by the submitters: PubMed 10729113; PubMed 10909849; PubMed 20507924; PubMed 25649381.